The following is an entry in ClinVar:

NM_020247.5(COQ8A):c.989A>G (p.Tyr330Cys)

Gene: COQ8A (coenzyme Q8A; plus strand). Cytogenetic location: 1q42.13.
Variant type: single nucleotide variant.
Coding change: c.989A>G on transcript NM_020247.5 (MANE Select); coding-DNA position 989, A replaced by G.
Protein change: p.Tyr330Cys; replaces tyrosine 330 with cysteine.
Molecular consequence: missense variant.
Genome position (GRCh38, 1-based): chr1:226,982,943, A>G. VCF-style: chr1-226982943-A-G. GRCh37 (hg19) VCF-style: chr1-227170644-A-G.
Other names: p.Tyr330Cys; short protein forms Y330C.
Identifiers: ClinVar variation 235765 (VCV000235765.41), dbSNP rs150243147, ClinGen allele CA1425256.

ClinVar aggregate classification (germline): Conflicting classifications of pathogenicity. Review status: criteria provided, conflicting classifications (1 of 4 stars). 7 submissions from 7 submitters: Uncertain significance (2); Benign (1); Likely benign (3). 1 of the submissions does not count toward it. Last evaluated 2025-12-15.

Conditions:
COQ8A-related disorder. Also called: COQ8A-related condition.

Allele frequency attached by ClinVar (database versions not stated): gnomAD exomes 0.00012 and 0.00027; 1000 Genomes Project 30x 0.00031; 1000 Genomes Project 0.00040; ExAC 0.00042; gnomAD 0.00117 and 0.00127; TOPMed 0.00151; ESP Exome Variant Server 0.00162.
gnomAD v4.1: 354 of 1,610,946 alleles (0.022%); highest among the groups gnomAD compares: African/African-American, 0.42%; no homozygotes.

Submissions (7):

Labcorp Genetics (formerly Invitae), Labcorp
Classification: Benign. Last evaluated: 2025-12-15. Review status: criteria provided, single submitter. Criteria: Invitae Variant Classification Sherloc (09022015). Collection method: clinical testing. Allele origin: germline.

Athena Diagnostics
Classification: Likely benign. Last evaluated: 2024-11-18. Review status: criteria provided, single submitter. Criteria: Athena Diagnostics Criteria. Collection method: clinical testing. Allele origin: unknown.

Mayo Clinic Laboratories, Mayo Clinic
Classification: Uncertain significance. Last evaluated: 2023-10-04. Review status: criteria provided, single submitter. Criteria: ACMG Guidelines, 2015. Collection method: clinical testing. Allele origin: germline. Observed: 1 variant allele.
Comment: BP4

CeGaT Center for Human Genetics Tuebingen
Classification: Likely benign. Last evaluated: 2022-09-01. Review status: criteria provided, single submitter. Criteria: CeGaT Center For Human Genetics Tuebingen Variant Classification Criteria Version 2. Collection method: clinical testing. Allele origin: germline. Affected: yes. Observed: 1 variant allele.
Comment: COQ8A: BS1

GeneDx
Classification: Likely benign. Last evaluated: 2021-01-08. Review status: criteria provided, single submitter. Criteria: GeneDx Variant Classification Process June 2021. Collection method: clinical testing. Allele origin: germline. Affected: yes.
Comment: In silico analysis supports that this missense variant does not alter protein structure/function; Has not been previously published as pathogenic or benign to our knowledge

Center for Pediatric Genomic Medicine, Children's Mercy Hospital and Clinics
Classification: Uncertain significance. Last evaluated: 2015-11-23. Review status: criteria provided, single submitter. Criteria: ACMG Guidelines, 2015. Collection method: clinical testing. Allele origin: germline.
ClinVar note: Converted during submission from Uncertain Significance to Uncertain significance.

PreventionGenetics, part of Exact Sciences
Classification: Likely benign for COQ8A-related condition. Last evaluated: 2021-09-13. Review status: no assertion criteria provided. Collection method: clinical testing. Allele origin: germline. Not counted in ClinVar's aggregate classification.
Comment: This variant is classified as likely benign based on ACMG/AMP sequence variant interpretation guidelines (Richards et al. 2015 PMID: 25741868, with internal and published modifications).

Literature cited by the submitters: PubMed 29255295 (cited by Athena Diagnostics).